The following is an entry in ClinVar:

ClinVar aggregate classification (germline): Uncertain significance (1 of 4 stars; one submission).

Allele frequency attached by ClinVar (database versions not stated): ExAC 0.00001; gnomAD exomes 0.00001; TOPMed 0.00004; ESP Exome Variant Server 0.00008.
gnomAD v4.1: 31 of 1,602,266 alleles (0.0019%); highest among the groups gnomAD compares: Non-Finnish European, 0.0022%; no homozygotes.

Submission:

Labcorp Genetics (formerly Invitae), Labcorp
Classification: Uncertain significance. Last evaluated: 2025-09-25. Review status: criteria provided, single submitter. Criteria: Invitae Variant Classification Sherloc (09022015). Collection method: clinical testing. Allele origin: germline.
Comment: This sequence change replaces arginine, which is basic and polar, with histidine, which is basic and polar, at codon 382 of the TCIRG1 protein (p.Arg382His). The frequency data for this variant in the population databases is considered unreliable, as metrics indicate poor data quality at this position in the gnomAD database. This variant has not been reported in the literature in individuals affected with TCIRG1-related conditions. ClinVar contains an entry for this variant (Variation ID: 2154991). Invitae Evidence Modeling of protein sequence and biophysical properties (such as structural, functional, and spatial information, amino acid conservation, physicochemical variation, residue mobility, and thermodynamic stability) indicates that this missense variant is not expected to disrupt TCIRG1 protein function with a negative predictive value of 80%. In summary, the available evidence is currently insufficient to determine the role of this variant in disease. Therefore, it has been classified as a Variant of Uncertain Significance.

NM_006019.4(TCIRG1):c.1145G>A (p.Arg382His)

Gene: TCIRG1 (T cell immune regulator 1, ATPase H+ transporting V0 subunit a3; plus strand). Cytogenetic location: 11q13.2.
Variant type: single nucleotide variant.
Coding change: c.1145G>A on transcript NM_006019.4 (MANE Select); coding-DNA position 1145, G replaced by A.
Protein change: p.Arg382His; replaces arginine 382 with histidine.
Molecular consequence: missense variant.
Genome position (GRCh38, 1-based): chr11:68,045,082, G>A. VCF-style: chr11-68045082-G-A. GRCh37 (hg19) VCF-style: chr11-67812549-G-A.
Other names: c.251G>A, p.Arg84His (NM_001351059.2); c.497G>A, p.Arg166His (NM_006053.4); short protein forms R166H, R382H, R84H.
Identifiers: ClinVar variation 2154991 (VCV002154991.2), dbSNP rs377606797, ClinGen allele CA6146960.